The following is an entry in ClinVar:

NM_001130987.2(DYSF):c.1380G>A (p.Met460Ile)

Gene: DYSF (dysferlin; plus strand). Cytogenetic location: 2p13.2.
Variant type: single nucleotide variant.
Coding change: c.1380G>A on transcript NM_001130987.2 (MANE Select); coding-DNA position 1380, G replaced by A.
Protein change: p.Met460Ile; replaces methionine 460 with isoleucine.
Molecular consequence: missense variant.
Genome position (GRCh38, 1-based): chr2:71,528,401, G>A. VCF-style: chr2-71528401-G-A. GRCh37 (hg19) VCF-style: chr2-71755531-G-A.
Other names: c.1287G>A, p.Met429Ile (NM_001130455.2, NM_001130983.2, NM_001130984.2 and 1 more transcripts); c.1284G>A, p.Met428Ile (NM_001130976.2, NM_001130977.2, NM_001130978.2 and 1 more transcripts); c.1377G>A, p.Met459Ile (NM_001130979.2, NM_001130980.2, NM_001130981.2); c.1380G>A, p.Met460Ile (NM_001130982.2, NM_001130985.2); short protein forms M459I, M428I, M429I, M460I.
Identifiers: ClinVar variation 2019355 (VCV002019355.4), dbSNP rs2545508992, ClinGen allele CA347215083.

ClinVar aggregate classification (germline): Uncertain significance (1 of 4 stars; one submission).

Conditions:
Neuromuscular disease caused by qualitative or quantitative defects of dysferlin. Also called: Qualitative or quantitative defects of dysferlin; Dysferlinopathy. Identifiers: Orphanet 207073, MedGen C2931687, MONDO:0016145.

Submission:

Labcorp Genetics (formerly Invitae), Labcorp
Classification: Uncertain significance for Neuromuscular disease caused by qualitative or quantitative defects of dysferlin. Last evaluated: 2022-07-23. Review status: criteria provided, single submitter. Criteria: Invitae Variant Classification Sherloc (09022015). Collection method: clinical testing. Allele origin: germline.
Comment: In summary, the available evidence is currently insufficient to determine the role of this variant in disease. Therefore, it has been classified as a Variant of Uncertain Significance. Variants that disrupt the consensus splice site are a relatively common cause of aberrant splicing (PMID: 17576681, 9536098). Algorithms developed to predict the effect of sequence changes on RNA splicing suggest that this variant may disrupt the consensus splice site. Algorithms developed to predict the effect of missense changes on protein structure and function (SIFT, PolyPhen-2, Align-GVGD) all suggest that this variant is likely to be tolerated. This variant has not been reported in the literature in individuals affected with DYSF-related conditions. This variant is not present in population databases (gnomAD no frequency). This sequence change replaces methionine, which is neutral and non-polar, with isoleucine, which is neutral and non-polar, at codon 428 of the DYSF protein (p.Met428Ile). This variant also falls at the last nucleotide of exon 13, which is part of the consensus splice site for this exon.

Literature cited by the submitters: PubMed 17576681; PubMed 9536098.